The following is an entry in ClinVar:

ClinVar aggregate classification (germline): Conflicting classifications of pathogenicity. Review status: criteria provided, conflicting classifications (1 of 4 stars). 2 submissions from 2 submitters: Uncertain significance (1); Likely benign (1). Last evaluated 2022-12-06.

Conditions:
Developmental and epileptic encephalopathy, 11 (DEE11). Also called: Early infantile epileptic encephalopathy 11. Identifiers: Orphanet 1934, MedGen C3150987, MONDO:0013388, OMIM 613721.
Seizures, benign familial infantile, 3 (BFIS3). Also called: Familial neonatal seizures; CONVULSIONS, BENIGN FAMILIAL INFANTILE, 3. Identifiers: Orphanet 140927, Orphanet 306, MedGen C1843140, MONDO:0011904, OMIM 607745.

Allele frequency attached by ClinVar (database versions not stated): gnomAD exomes below 0.00001 and 0.00001; ExAC 0.00001; gnomAD 0.00001; TOPMed 0.00001.
gnomAD v4.1: 5 of 1,614,084 alleles (0.00031%); highest among the groups gnomAD compares: Non-Finnish European, 0.00042%; no homozygotes.

Submissions (2):

Labcorp Genetics (formerly Invitae), Labcorp
Classification: Likely benign for Seizures, benign familial infantile, 3; Developmental and epileptic encephalopathy, 11. Last evaluated: 2022-12-06. Review status: criteria provided, single submitter. Criteria: Invitae Variant Classification Sherloc (09022015). Collection method: clinical testing. Allele origin: germline.

GeneDx
Classification: Uncertain significance. Last evaluated: 2022-03-02. Review status: criteria provided, single submitter. Criteria: GeneDx Variant Classification Process June 2021. Collection method: clinical testing. Allele origin: germline. Affected: yes.
Comment: Not observed at a significant frequency in large population cohorts (gnomAD); Missense variants in this gene are often considered pathogenic (HGMD); In silico analysis supports that this missense variant has a deleterious effect on protein structure/function; This substitution is predicted to be within the N terminal cytoplasmic topological domain; Has not been previously published as pathogenic or benign to our knowledge

NM_001040142.2(SCN2A):c.1846A>G (p.Arg616Gly)

Gene: SCN2A (sodium voltage-gated channel alpha subunit 2; plus strand). Cytogenetic location: 2q24.3.
Variant type: single nucleotide variant.
Coding change: c.1846A>G on transcript NM_001040142.2 (MANE Select); coding-DNA position 1846, A replaced by G.
Protein change: p.Arg616Gly; replaces arginine 616 with glycine.
Molecular consequence: missense variant.
Genome position (GRCh38, 1-based): chr2:165,323,330, A>G. VCF-style: chr2-165323330-A-G. GRCh37 (hg19) VCF-style: chr2-166179840-A-G.
Other names: c.1846A>G, p.Arg616Gly (NM_001040143.2, NM_001371246.1, NM_001371247.1 and 1 more transcripts); short protein forms R616G.
Identifiers: ClinVar variation 546513 (VCV000546513.13), dbSNP rs772896106, ClinGen allele CA1939879.